The following is an entry in ClinVar:

ClinVar aggregate classification (germline): Conflicting classifications of pathogenicity. Review status: criteria provided, conflicting classifications (1 of 4 stars). 21 submissions from 21 submitters: Uncertain significance (2); Benign (8); Likely benign (7). 4 of the submissions do not count toward it. Last evaluated 2026-09-01.

Conditions:
Coffin-Siris syndrome. Identifiers: Orphanet 1465, MedGen C0265338, MONDO:0015452.
Hereditary cancer-predisposing syndrome. Also called: Neoplastic Syndromes, Hereditary; Tumor predisposition; Hereditary Cancer Syndrome; Hereditary neoplastic syndrome. Identifiers: Orphanet 140162, MedGen C0027672, MeSH D009386, MONDO:0015356.
Intellectual disability, autosomal dominant 16 (CSS4). Also called: COFFIN-SIRIS SYNDROME 4. Identifiers: Orphanet 1465, MedGen C3553249, MONDO:0013821, OMIM 614609.
Rhabdoid tumor predisposition syndrome 2 (RTPS2). Identifiers: Orphanet 231108, Orphanet 69077, MedGen C2750074, MONDO:0013224, OMIM 613325.

Allele frequency attached by ClinVar (database versions not stated): 1000 Genomes Project 30x 0.00078; 1000 Genomes Project 0.00100; gnomAD 0.00209 and 0.00243; ESP Exome Variant Server 0.00246; TOPMed 0.00323.
gnomAD v4.1: 5,426 of 1,614,076 alleles (0.34%); highest among the groups gnomAD compares: Middle Eastern, 0.82%; 19 homozygotes.

Submissions 1 to 25 of 38:

CeGaT Center for Human Genetics Tuebingen
Classification: Benign. Last evaluated: 2026-09-01. Review status: criteria provided, single submitter. Criteria: CeGaT Center For Human Genetics Tuebingen Variant Classification Criteria Version 2. Collection method: clinical testing. Allele origin: germline. Affected: yes. Observed: 92 variant alleles.
Comment: SMARCA4: BS1, BS2

Labcorp Genetics (formerly Invitae), Labcorp
Classification: Benign for Rhabdoid tumor predisposition syndrome 2. Last evaluated: 2026-02-04. Review status: criteria provided, single submitter. Criteria: Invitae Variant Classification Sherloc (09022015). Collection method: clinical testing. Allele origin: germline.

Myriad Genetics, Inc.
Classification: Benign for Rhabdoid tumor predisposition syndrome 2. Last evaluated: 2025-11-20. Review status: criteria provided, single submitter. Criteria: Myriad Autosomal Dominant, Autosomal Recessive and X-Linked Classification Criteria (2023). Collection method: clinical testing. Allele origin: unknown.
Comment: This variant is considered benign. This variant has been observed at a population frequency that is significantly greater than expected given the associated disease prevalence and penetrance. Homozygosity has been confirmed in one or more individuals. As homozygosity for pathogenic variants in this gene is generally assumed to result in embryonic lethality, this variant is unlikely to be pathogenic.

Molecular Diagnostics Laboratory, Catalan Institute of Oncology
Classification: Uncertain significance for Hereditary cancer-predisposing syndrome. Last evaluated: 2025-04-24. Review status: criteria provided, single submitter. Criteria: ACMG Guidelines, 2015. Collection method: clinical testing. Allele origin: germline.
Comment: PP3, BS2_Supporting c.2275-3C>A located in intron 15 of the SMARCA4 gene close to a canonical splice site. The variant allele was found in 663/268312 alleles (2 homozygotes), with a filter allele frequency of 0.39% at 99% confidence in the gnomAD v2.1.1 database (non-Finnish European non-cancer data set)(BS2_Supporting). The SpliceAI algorithm predicts that the variant impairs the splicing donor site of intron 15 (PP3). To our knowledge, functional studies have not been reported for this variant. This variant has been identified in the ClinVar database (7x benign, 10x likely benign, 1x uncertain significance) and in the LOVD database (5x likely benign). Based on currently available information, the variant c.2275-3C>A is classified as an uncertain significance variant according ACMG guidelines.

Quest Diagnostics Nichols Institute San Juan Capistrano
Classification: Benign. Last evaluated: 2025-04-07. Review status: criteria provided, single submitter. Criteria: Quest Diagnostics criteria. Collection method: clinical testing. Allele origin: unknown.

Blueprint Genetics
Classification: Likely benign. Last evaluated: 2024-11-26. Review status: criteria provided, single submitter. Criteria: ACMG Guidelines, 2015. Collection method: clinical testing. Allele origin: germline.

Institute for Clinical Genetics, University Hospital TU Dresden, University Hospital TU Dresden
Classification: Uncertain significance. Last evaluated: 2021-11-03. Review status: criteria provided, single submitter. Criteria: ACMG Guidelines, 2015. Collection method: clinical testing. Allele origin: germline.

Sema4
Classification: Likely benign for Hereditary cancer-predisposing syndrome. Last evaluated: 2021-07-21. Review status: criteria provided, single submitter. Criteria: Sema4 Curation Guidelines. Collection method: curation. Allele origin: germline.

Genome-Nilou Lab
Classification: Benign for Intellectual disability, autosomal dominant 16. Last evaluated: 2021-07-15. Review status: criteria provided, single submitter. Criteria: ACMG Guidelines, 2015. Collection method: clinical testing. Allele origin: germline. Affected: no.

GeneDx
Classification: Likely benign. Last evaluated: 2020-09-22. Review status: criteria provided, single submitter. Criteria: GeneDx Variant Classification Process June 2021. Collection method: clinical testing. Allele origin: germline. Affected: yes.
Comment: This variant is associated with the following publications: (PMID: 28873162)

ARUP Laboratories, Molecular Genetics and Genomics, ARUP Laboratories
Classification: Likely benign. Last evaluated: 2019-12-09. Review status: criteria provided, single submitter. Criteria: ARUP Molecular Germline Variant Investigation Process. Collection method: clinical testing. Allele origin: germline.

Mendelics
Classification: Likely benign for Rhabdoid tumor predisposition syndrome 2. Last evaluated: 2019-05-28. Review status: criteria provided, single submitter. Criteria: Mendelics Assertion Criteria 2017. Collection method: clinical testing. Allele origin: unknown.

Ambry Genetics
Classification: Likely benign for Hereditary cancer-predisposing syndrome. Last evaluated: 2018-11-23. Review status: criteria provided, single submitter. Criteria: Ambry Variant Classification Scheme 2023. Collection method: clinical testing. Allele origin: germline.

Illumina Laboratory Services, Illumina
Classification: Benign for Coffin-Siris syndrome. Last evaluated: 2018-01-12. Review status: criteria provided, single submitter. Criteria: ICSL Variant Classification Criteria 13 December 2019. Collection method: clinical testing. Allele origin: germline.
Comment: This variant was observed in the ICSL laboratory as part of a predisposition screen in an ostensibly healthy population. It had not been previously curated by ICSL or reported in the Human Gene Mutation Database (HGMD: prior to June 1st, 2018), and was therefore a candidate for classification through an automated scoring system. Utilizing variant allele frequency, disease prevalence and penetrance estimates, and inheritance mode, an automated score was calculated to assess if this variant is too frequent to cause the disease. Based on the score and internal cut-off values, a variant classified as benign is not then subjected to further curation. The score for this variant resulted in a classification of benign for this disease.

Center for Pediatric Genomic Medicine, Children's Mercy Hospital and Clinics
Classification: Likely benign. Last evaluated: 2016-11-22. Review status: criteria provided, single submitter. Criteria: ACMG Guidelines, 2015. Collection method: clinical testing. Allele origin: germline.
ClinVar note: Converted during submission from Likely Benign to Likely benign.

Genetic Services Laboratory, University of Chicago
Classification: Benign. Last evaluated: 2016-03-31. Review status: criteria provided, single submitter. Criteria: ACMG Guidelines, 2015. Collection method: clinical testing. Allele origin: germline. Affected: no.

Genomic Diagnostic Laboratory, Division of Genomic Diagnostics, Children's Hospital of Philadelphia
Classification: Benign. Last evaluated: 2015-07-20. Review status: criteria provided, single submitter. Criteria: DGD Variant Analysis Guidelines. Collection method: clinical testing. Allele origin: unknown.

Clinical Genetics DNA and cytogenetics Diagnostics Lab, Erasmus MC, Erasmus Medical Center
Classification: Likely benign. Review status: no assertion criteria provided. Collection method: clinical testing. Allele origin: germline. Affected: yes. Study: VKGL Data-share Consensus. Not counted in ClinVar's aggregate classification.

Clinical Genetics Laboratory, Department of Pathology, Netherlands Cancer Institute
Classification: Likely benign. Review status: no assertion criteria provided. Collection method: clinical testing. Allele origin: germline. Affected: yes. Study: VKGL Data-share Consensus. Not counted in ClinVar's aggregate classification.

Diagnostic Laboratory, Department of Genetics, University Medical Center Groningen
Classification: Likely benign. Review status: no assertion criteria provided. Collection method: clinical testing. Allele origin: germline. Affected: yes. Study: VKGL Data-share Consensus. Not counted in ClinVar's aggregate classification.

Dr. Peter K. Rogan Lab, Western University
No classification provided (evidence only). Condition: Clear cell carcinoma of kidney. Review status: no classification provided. Collection method: in vitro. Allele origin: not applicable. Functional consequence: retained intron. Not counted in ClinVar's aggregate classification.

Dr. Peter K. Rogan Lab, Western University
No classification provided (evidence only). Condition: Lung cancer. Review status: no classification provided. Collection method: in vitro. Allele origin: not applicable. Functional consequence: skipped exon, retained intron. Not counted in ClinVar's aggregate classification.

Dr. Peter K. Rogan Lab, Western University
No classification provided (evidence only). Condition: Lung cancer. Review status: no classification provided. Collection method: in vitro. Allele origin: not applicable. Functional consequence: retained intron. Not counted in ClinVar's aggregate classification.

Dr. Peter K. Rogan Lab, Western University
No classification provided (evidence only). Condition: Lung cancer. Review status: no classification provided. Collection method: in vitro. Allele origin: not applicable. Functional consequence: retained intron. Not counted in ClinVar's aggregate classification.

Dr. Peter K. Rogan Lab, Western University
No classification provided (evidence only). Condition: Melanoma. Review status: no classification provided. Collection method: in vitro. Allele origin: not applicable. Functional consequence: retained intron. Not counted in ClinVar's aggregate classification.

NM_003072.5(SMARCA4):c.2275-3C>A

Gene: SMARCA4 (SWI/SNF related BAF chromatin remodeling complex subunit ATPase 4; plus strand). Cytogenetic location: 19p13.2.
Variant type: single nucleotide variant.
Coding change: c.2275-3C>A on transcript NM_003072.5 (MANE Select); 3 bases into the intron before coding-DNA position 2275, C replaced by A.
Molecular consequence: intron variant.
Genome position (GRCh38, 1-based): chr19:11,012,946, C>A. VCF-style: chr19-11012946-C-A. GRCh37 (hg19) VCF-style: chr19-11123622-C-A.
Other names: c.2275-3C>A (NM_001128844.3, NM_001128849.3, NM_001128847.4 and 5 more transcripts).
Identifiers: ClinVar variation 212240 (VCV000212240.88), dbSNP rs117611401, ClinGen allele CA207855.